The following is an entry in ClinVar:

NM_004700.4(KCNQ4):c.850A>G (p.Ile284Val)

Gene: KCNQ4 (potassium voltage-gated channel subfamily Q member 4; plus strand). Cytogenetic location: 1p34.2.
Variant type: single nucleotide variant.
Coding change: c.850A>G on transcript NM_004700.4 (MANE Select); coding-DNA position 850, A replaced by G.
Protein change: p.Ile284Val; replaces isoleucine 284 with valine.
Molecular consequence: missense variant.
Genome position (GRCh38, 1-based): chr1:40,819,890, A>G. VCF-style: chr1-40819890-A-G. GRCh37 (hg19) VCF-style: chr1-41285562-A-G.
Other names: c.850A>G, p.Ile284Val (NM_172163.3); short protein forms I284V.
Identifiers: ClinVar variation 4991714 (VCV004991714.1).
Genomic context (GRCh38, chr1:40,819,890, plus strand): 5'-TGGCCCCCGTGACCAGTCCTGCCTGTAACCTGTTTGTGTCTCCAGATTACATTGACAACC[A>G]TCGGCTATGGTGACAAGACACCGCACACATGGCTGGGCAGGGTCCTGGCTGCTGGCTTCG-3'
Protein context (NP_004691.2, residues 274-294): LWWGTITLTT[Ile284Val]GYGDKTPHTW

ClinVar aggregate classification (germline): Uncertain significance (1 of 4 stars; one submission).

Conditions:
KCNQ4-related disorder. Also called: KCNQ4-related condition.

gnomAD v4.1: 2 of 1,613,882 alleles (0.00012%); highest among the groups gnomAD compares: East Asian, 0.0022%; no homozygotes.

Submission:

PreventionGenetics, part of Exact Sciences
Classification: Uncertain significance for KCNQ4-related condition. Last evaluated: 2025-12-21. Review status: criteria provided, single submitter. Criteria: ACMG Guidelines, 2015. Collection method: clinical testing. Allele origin: germline.
Comment: The KCNQ4 c.850A>G variant is predicted to result in the amino acid substitution p.Ile284Val. To our knowledge, this variant has not been reported in the literature or in a large population database (gnomAD), indicating this variant is rare. The KCNQ4 pore forming region (amino acids 270 – 297) is considered a mutational hotspot due to intolerance to missense variation in the general population and enrichment of pathogenic missense variants in patients with autosomal dominant hearing loss (ClinGen Hearing Loss Variant Curation Expert Panel, Oza et al. 2018. PubMed ID: 30311386; Naito et al. 2013. PubMed ID: 23717403). Although we suspect that this variant may be pathogenic, at this time, the clinical significance of this variant is uncertain due to the absence of conclusive functional and genetic evidence.